The following is an entry in ClinVar:

ClinVar aggregate classification (germline): Uncertain significance (1 of 4 stars; one submission).

Conditions:
POLD1-related polyposis and colorectal cancer syndrome (CRCS10). Also called: Colorectal cancer 10; Colorectal cancer, susceptibility to, 10; COLORECTAL CANCER, SUSCEPTIBILITY TO, ON CHROMOSOME 19q. Identifiers: Orphanet 220460, MedGen C2675481, MONDO:0012953, OMIM 612591.

Submission:

Labcorp Genetics (formerly Invitae), Labcorp
Classification: Uncertain significance for POLD1-related polyposis and colorectal cancer syndrome. Last evaluated: 2023-08-01. Review status: criteria provided, single submitter. Criteria: Invitae Variant Classification Sherloc (09022015). Collection method: clinical testing. Allele origin: germline.
Comment: This sequence change replaces glycine, which is neutral and non-polar, with arginine, which is basic and polar, at codon 483 of the POLD1 protein (p.Gly483Arg). This variant is not present in population databases (gnomAD no frequency). This variant has not been reported in the literature in individuals affected with POLD1-related conditions. Advanced modeling of protein sequence and biophysical properties (such as structural, functional, and spatial information, amino acid conservation, physicochemical variation, residue mobility, and thermodynamic stability) performed at Invitae indicates that this missense variant is not expected to disrupt POLD1 protein function. In summary, the available evidence is currently insufficient to determine the role of this variant in disease. Therefore, it has been classified as a Variant of Uncertain Significance.

NM_002691.4(POLD1):c.1447G>C (p.Gly483Arg)

Gene: POLD1 (DNA polymerase delta 1, catalytic subunit; plus strand). Cytogenetic location: 19q13.33.
Variant type: single nucleotide variant.
Coding change: c.1447G>C on transcript NM_002691.4 (MANE Select); coding-DNA position 1447, G replaced by C.
Protein change: p.Gly483Arg; replaces glycine 483 with arginine.
Molecular consequence: missense variant. On other transcripts: non-coding transcript variant (1).
Genome position (GRCh38, 1-based): chr19:50,406,470, G>C. VCF-style: chr19-50406470-G-C. GRCh37 (hg19) VCF-style: chr19-50909727-G-C.
Other names: c.1447G>C, p.Gly483Arg (NM_001256849.1, NM_001308632.1); short protein forms G483R.
Identifiers: ClinVar variation 2748949 (VCV002748949.3), dbSNP rs2513995025, ClinGen allele CA406980221.